The following is an entry in ClinVar:

ClinVar aggregate classification (germline): Uncertain significance (1 of 4 stars; one submission).

Conditions:
Hereditary cancer-predisposing syndrome. Also called: Tumor predisposition; Hereditary Cancer Syndrome; Hereditary neoplastic syndrome; Neoplastic Syndromes, Hereditary. Identifiers: Orphanet 140162, MedGen C0027672, MeSH D009386, MONDO:0015356.

gnomAD v4.1: 1 of 1,589,732 alleles (0.000063%); highest among the groups gnomAD compares: Non-Finnish European, 0.000086%; no homozygotes.

Submission:

Ambry Genetics
Classification: Uncertain significance for Hereditary cancer-predisposing syndrome. Last evaluated: 2024-05-11. Review status: criteria provided, single submitter. Criteria: Ambry Variant Classification Scheme 2023. Collection method: clinical testing. Allele origin: germline.
Comment: The p.G116C variant (also known as c.346G>T) is located in coding exon 4 of the FANCC gene. The glycine at codon 116 is replaced by cysteine, an amino acid with highly dissimilar properties. This change occurs in the first base pair of coding exon 4. This amino acid position is conserved. In addition, this alteration is predicted to be tolerated by in silico analysis. Based on the available evidence, the clinical significance of this variant remains unclear.

NM_000136.3(FANCC):c.346G>T (p.Gly116Cys)

Gene: FANCC (FA complementation group C; minus strand). Cytogenetic location: 9q22.32.
Variant type: single nucleotide variant.
Coding change: c.346G>T on transcript NM_000136.3 (MANE Select); coding-DNA position 346, G replaced by T.
Protein change: p.Gly116Cys; replaces glycine 116 with cysteine.
Molecular consequence: missense variant.
Genome position (GRCh38, 1-based): chr9:95,172,147, C>A on the plus strand (G>T on the coding strand, the complement: FANCC is on the minus strand). VCF-style: chr9-95172147-C-A. GRCh37 (hg19) VCF-style: chr9-97934429-C-A.
Other names: c.346G>T, p.Gly116Cys (NM_001243743.2, NM_001243744.2); short protein forms G116C.
Identifiers: ClinVar variation 3277639 (VCV003277639.1).